The following is an entry in ClinVar:

NM_006662.3(SRCAP):c.8755C>T (p.Leu2919Phe)

Gene: SRCAP (Snf2 related CREBBP activator protein; plus strand). Cytogenetic location: 16p11.2.
Variant type: single nucleotide variant.
Coding change: c.8755C>T on transcript NM_006662.3 (MANE Select); coding-DNA position 8755, C replaced by T.
Protein change: p.Leu2919Phe; replaces leucine 2919 with phenylalanine.
Molecular consequence: missense variant.
Genome position (GRCh38, 1-based): chr16:30,738,795, C>T. VCF-style: chr16-30738795-C-T. GRCh37 (hg19) VCF-style: chr16-30750116-C-T.
Other names: short protein forms L2919F.
Identifiers: ClinVar variation 160039 (VCV000160039.51), dbSNP rs149217909, ClinGen allele CA173609.

ClinVar aggregate classification (germline): Likely benign. Review status: criteria provided, multiple submitters, no conflicts (2 of 4 stars). 12 submissions from 12 submitters: Likely benign (7). 5 of the submissions do not count toward it. Last evaluated 2026-08-01.

Conditions:
Floating-Harbor syndrome (FLHS). Also called: SRCAP-Related Floating-Harbor Syndrome; Short stature with delayed bone age, expressive language delay, a triangular face with a prominent nose and deep-set eyes; Pelletier-Leisti syndrome. Identifiers: Orphanet 2044, MedGen C0729582, MONDO:0007621, OMIM 136140.
Developmental delay, hypotonia, musculoskeletal defects, and behavioral abnormalities. Identifiers: MedGen C5562012, MONDO:0859202, OMIM 619595.
SRCAP-related disorder. Also called: SRCAP-related condition.
Inborn genetic diseases. Identifiers: MedGen C0950123, MeSH D030342.

Allele frequency attached by ClinVar (database versions not stated): 1000 Genomes Project 30x 0.00062; 1000 Genomes Project 0.00080; gnomAD exomes 0.00119 and 0.00175; gnomAD 0.00130 and 0.00131; ESP Exome Variant Server 0.00131; ExAC 0.00135; TOPMed 0.00154.
gnomAD v4.1: 2,754 of 1,613,918 alleles (0.17%); highest among the groups gnomAD compares: Middle Eastern, 0.25%; 7 homozygotes.

Submissions (12):

CeGaT Center for Human Genetics Tuebingen
Classification: Likely benign. Last evaluated: 2026-08-01. Review status: criteria provided, single submitter. Criteria: CeGaT Center For Human Genetics Tuebingen Variant Classification Criteria Version 2. Collection method: clinical testing. Allele origin: germline. Affected: yes. Observed: 16 variant alleles.
Comment: SRCAP: BS1

Labcorp Genetics (formerly Invitae), Labcorp
Classification: Likely benign. Last evaluated: 2025-12-22. Review status: criteria provided, single submitter. Criteria: Invitae Variant Classification Sherloc (09022015). Collection method: clinical testing. Allele origin: germline.

Blueprint Genetics
Classification: Likely benign. Last evaluated: 2024-11-27. Review status: criteria provided, single submitter. Criteria: ACMG Guidelines, 2015. Collection method: clinical testing. Allele origin: germline.

Ambry Genetics
Classification: Likely benign for Inborn genetic diseases. Last evaluated: 2021-10-01. Review status: criteria provided, single submitter. Criteria: Ambry Variant Classification Scheme 2023. Collection method: clinical testing. Allele origin: germline.

Fulgent Genetics
Classification: Likely benign for Floating-Harbor syndrome; Developmental delay, hypotonia, musculoskeletal defects, and behavioral abnormalities. Last evaluated: 2021-07-26. Review status: criteria provided, single submitter. Criteria: ACMG Guidelines, 2015. Collection method: clinical testing. Allele origin: unknown.

Genetic Services Laboratory, University of Chicago
Classification: Likely benign. Last evaluated: 2014-07-03. Review status: criteria provided, single submitter. Criteria: ACMG Guidelines, 2015. Collection method: clinical testing. Allele origin: germline. Inheritance: Autosomal dominant inheritance.

Breakthrough Genomics
Classification: Likely benign. Review status: criteria provided, single submitter. Criteria: ACMG Guidelines, 2015. Collection method: not provided. Allele origin: germline. Inheritance: Autosomal dominant inheritance. Affected: yes.

PreventionGenetics, part of Exact Sciences
Classification: Likely benign for SRCAP-related condition. Last evaluated: 2022-07-28. Review status: no assertion criteria provided. Collection method: clinical testing. Allele origin: germline. Not counted in ClinVar's aggregate classification.
Comment: This variant is classified as likely benign based on ACMG/AMP sequence variant interpretation guidelines (Richards et al. 2015 PMID: 25741868, with internal and published modifications).

Clinical Genetics DNA and cytogenetics Diagnostics Lab, Erasmus MC, Erasmus Medical Center
Classification: Likely benign. Review status: no assertion criteria provided. Collection method: clinical testing. Allele origin: germline. Affected: yes. Study: VKGL Data-share Consensus. Not counted in ClinVar's aggregate classification.

Diagnostic Laboratory, Department of Genetics, University Medical Center Groningen
Classification: Likely benign. Review status: no assertion criteria provided. Collection method: clinical testing. Allele origin: germline. Affected: yes. Study: VKGL Data-share Consensus. Not counted in ClinVar's aggregate classification.

Joint Genome Diagnostic Labs from Nijmegen and Maastricht, Radboudumc and MUMC+
Classification: Likely benign. Review status: no assertion criteria provided. Collection method: clinical testing. Allele origin: germline. Affected: yes. Study: VKGL Data-share Consensus. Not counted in ClinVar's aggregate classification.

Laboratory of Diagnostic Genome Analysis, Leiden University Medical Center (LUMC)
Classification: Likely benign. Review status: no assertion criteria provided. Collection method: clinical testing. Allele origin: germline. Affected: yes. Study: VKGL Data-share Consensus. Not counted in ClinVar's aggregate classification.